The following is an entry in ClinVar:

ClinVar aggregate classification (germline): Benign/Likely benign. Review status: criteria provided, multiple submitters, no conflicts (2 of 4 stars). 3 submissions from 3 submitters: Benign (1); Likely benign (2). Last evaluated 2026-05-22.

Conditions:
Hereditary cancer-predisposing syndrome. Also called: Neoplastic Syndromes, Hereditary; Hereditary neoplastic syndrome; Hereditary Cancer Syndrome; Tumor predisposition. Identifiers: Orphanet 140162, MedGen C0027672, MeSH D009386, MONDO:0015356.
Oligodontia-cancer predisposition syndrome. Also called: TOOTH AGENESIS-COLORECTAL CANCER SYNDROME. Identifiers: Orphanet 300576, MedGen C1837750, MONDO:0012075, OMIM 608615. Disease mechanism: loss of function.

Submissions (3):

Ambry Genetics
Classification: Likely benign for Hereditary cancer-predisposing syndrome. Last evaluated: 2026-05-22. Review status: criteria provided, single submitter. Criteria: Ambry Variant Classification Scheme 2023. Collection method: clinical testing. Allele origin: germline.

Myriad Genetics, Inc.
Classification: Benign for Oligodontia-cancer predisposition syndrome. Last evaluated: 2024-06-26. Review status: criteria provided, single submitter. Criteria: Myriad Autosomal Dominant, Autosomal Recessive and X-Linked Classification Criteria (2023). Collection method: clinical testing. Allele origin: unknown.
Comment: This variant is considered benign. This variant is a silent/synonymous amino acid change and it is not expected to impact splicing.

Labcorp Genetics (formerly Invitae), Labcorp
Classification: Likely benign for Oligodontia-cancer predisposition syndrome. Last evaluated: 2018-05-02. Review status: criteria provided, single submitter. Criteria: Invitae Variant Classification Sherloc (09022015). Collection method: clinical testing. Allele origin: germline.

NM_004655.4(AXIN2):c.465C>A (p.Thr155=)

Gene: AXIN2 (axin 2; minus strand). Cytogenetic location: 17q24.1.
Variant type: single nucleotide variant.
Coding change: c.465C>A on transcript NM_004655.4 (MANE Select); coding-DNA position 465, C replaced by A.
Protein change: p.Thr155=; no amino-acid change (threonine 155 retained).
Molecular consequence: synonymous variant.
Genome position (GRCh38, 1-based): chr17:65,558,156, G>T on the plus strand (C>A on the coding strand, the complement: AXIN2 is on the minus strand). VCF-style: chr17-65558156-G-T. GRCh37 (hg19) VCF-style: chr17-63554274-G-T.
Other names: c.465C>A, p.Thr155= (NM_001363813.1).
Identifiers: ClinVar variation 759520 (VCV000759520.11), dbSNP rs1555583449, ClinGen allele CA501691728.